The following is an entry in ClinVar:

ClinVar aggregate classification (germline): Uncertain significance (1 of 4 stars; one submission).

Conditions:
Atrial fibrillation, familial, 18 (ATFB18). Identifiers: MedGen C4310636, MONDO:0015001, OMIM 617280.

Submission:

Labcorp Genetics (formerly Invitae), Labcorp
Classification: Uncertain significance for Atrial fibrillation, familial, 18. Last evaluated: 2025-02-26. Review status: criteria provided, single submitter. Criteria: Invitae Variant Classification Sherloc (09022015). Collection method: clinical testing. Allele origin: germline.
Comment: This sequence change replaces lysine, which is basic and polar, with asparagine, which is neutral and polar, at codon 102 of the MYL4 protein (p.Lys102Asn). This variant is not present in population databases (gnomAD no frequency). This variant has not been reported in the literature in individuals affected with MYL4-related conditions. An algorithm developed to predict the effect of missense changes on protein structure and function (PolyPhen-2) suggests that this variant is likely to be disruptive. In summary, the available evidence is currently insufficient to determine the role of this variant in disease. Therefore, it has been classified as a Variant of Uncertain Significance.

NM_002476.2(MYL4):c.306G>T (p.Lys102Asn)

Gene: MYL4 (myosin light chain 4; plus strand). Cytogenetic location: 17q21.32.
Variant type: single nucleotide variant.
Coding change: c.306G>T on transcript NM_002476.2 (MANE Select); coding-DNA position 306, G replaced by T.
Protein change: p.Lys102Asn; replaces lysine 102 with asparagine.
Molecular consequence: missense variant.
Genome position (GRCh38, 1-based): chr17:47,220,046, G>T. VCF-style: chr17-47220046-G-T. GRCh37 (hg19) VCF-style: chr17-45297412-G-T.
Other names: c.306G>T, p.Lys102Asn (NM_001002841.2); short protein forms K102N.
Identifiers: ClinVar variation 4693239 (VCV004693239.1).